The following is an entry in ClinVar:

NM_001101.5(ACTB):c.*4G>T

Gene: ACTB (actin beta; minus strand). Cytogenetic location: 7p22.1.
Variant type: single nucleotide variant.
Coding change: c.*4G>T on transcript NM_001101.5 (MANE Select); 4 bases downstream of the stop codon, G replaced by T.
Molecular consequence: 3 prime UTR variant.
Genome position (GRCh38, 1-based): chr7:5,527,744, C>A on the plus strand (G>T on the coding strand, the complement: ACTB is on the minus strand). VCF-style: chr7-5527744-C-A. GRCh37 (hg19) VCF-style: chr7-5567375-C-A.
Identifiers: ClinVar variation 3907984 (VCV003907984.1).

ClinVar aggregate classification (germline): Uncertain significance (1 of 4 stars; one submission).

Submission:

GeneDx
Classification: Uncertain significance. Last evaluated: 2024-12-31. Review status: criteria provided, single submitter. Criteria: GeneDx Variant Classification Process June 2021. Collection method: clinical testing. Allele origin: germline. Affected: yes.
Comment: Not observed at significant frequency in large population cohorts (gnomAD); Has not been previously published as pathogenic or benign to our knowledge; Located in a regulatory region; in the absence of functional studies, the actual effect of this sequence change is unknown